The following is an entry in ClinVar:

NM_000264.5(PTCH1):c.3679T>C (p.Ser1227Pro)

Gene: PTCH1 (patched 1; minus strand). Cytogenetic location: 9q22.32.
Variant type: single nucleotide variant.
Coding change: c.3679T>C on transcript NM_000264.5 (MANE Select); coding-DNA position 3679, T replaced by C.
Protein change: p.Ser1227Pro; replaces serine 1227 with proline.
Molecular consequence: missense variant. On other transcripts: non-coding transcript variant (1).
Genome position (GRCh38, 1-based): chr9:95,449,194, A>G on the plus strand (T>C on the coding strand, the complement: PTCH1 is on the minus strand). VCF-style: chr9-95449194-A-G. GRCh37 (hg19) VCF-style: chr9-98211476-A-G.
Other names: c.3481T>C, p.Ser1161Pro (NM_001083602.3); c.3676T>C, p.Ser1226Pro (NM_001083603.3); c.3226T>C, p.Ser1076Pro (NM_001083604.3, NM_001083605.3, NM_001083606.3 and 1 more transcripts); c.3523T>C, p.Ser1175Pro (NM_001354918.2); short protein forms S1227P, S1076P, S1161P, S1175P, S1226P.
Identifiers: ClinVar variation 4842293 (VCV004842293.2).

ClinVar aggregate classification (germline): Uncertain significance. Review status: criteria provided, multiple submitters, no conflicts (2 of 4 stars). 2 submissions from 2 submitters: Uncertain significance (2). Last evaluated 2026-01-12.

Conditions:
Hereditary cancer-predisposing syndrome. Also called: Neoplastic Syndromes, Hereditary; Tumor predisposition; Hereditary neoplastic syndrome; Hereditary Cancer Syndrome. Identifiers: Orphanet 140162, MedGen C0027672, MeSH D009386, MONDO:0015356.

Submissions (2):

Ambry Genetics
Classification: Uncertain significance for Hereditary cancer-predisposing syndrome. Last evaluated: 2026-01-12. Review status: criteria provided, single submitter. Criteria: Ambry Variant Classification Scheme 2023. Collection method: clinical testing. Allele origin: germline.
Comment: The p.S1227P variant (also known as c.3679T>C), located in coding exon 22 of the PTCH1 gene, results from a T to C substitution at nucleotide position 3679. The serine at codon 1227 is replaced by proline, an amino acid with similar properties. This amino acid position is conserved. In addition, this alteration is predicted to be deleterious by in silico analysis. Based on the available evidence, the clinical significance of this variant remains unclear.

Blueprint Genetics
Classification: Uncertain significance. Last evaluated: 2023-02-02. Review status: criteria provided, single submitter. Criteria: ACMG Guidelines, 2015. Collection method: clinical testing. Allele origin: germline.